The following is an entry in ClinVar:

NM_015046.7(SETX):c.5267T>C (p.Phe1756Ser)

Gene: SETX (senataxin; minus strand). Cytogenetic location: 9q34.13.
Variant type: single nucleotide variant.
Coding change: c.5267T>C on transcript NM_015046.7 (MANE Select); coding-DNA position 5267, T replaced by C.
Protein change: p.Phe1756Ser; replaces phenylalanine 1756 with serine.
Molecular consequence: missense variant.
Genome position (GRCh38, 1-based): chr9:132,326,331, A>G on the plus strand (T>C on the coding strand, the complement: SETX is on the minus strand). VCF-style: chr9-132326331-A-G. GRCh37 (hg19) VCF-style: chr9-135201718-A-G.
Other names: c.5267T>C, p.Phe1756Ser (NM_001351527.2, NM_001351528.2); short protein forms F1756S.
Identifiers: ClinVar variation 586549 (VCV000586549.5), dbSNP rs762175796, ClinGen allele CA5297049.

ClinVar aggregate classification (germline): Pathogenic/Likely pathogenic. Review status: criteria provided, multiple submitters, no conflicts (2 of 4 stars). 3 submissions from 3 submitters: Pathogenic (1); Likely pathogenic (1). 1 of the submissions does not count toward it. Last evaluated 2026-05-24.

Conditions:
SETX-related disorder. Also called: SETX-related disorders; SETX-related condition. Identifiers: MedGen CN239403.

Allele frequency attached by ClinVar (database versions not stated): ExAC 0.00001; gnomAD exomes 0.00001; TOPMed 0.00001.
gnomAD v4.1: 61 of 1,601,900 alleles (0.0038%); highest among the groups gnomAD compares: Non-Finnish European, 0.0051%; no homozygotes.

Submissions (3):

GeneDx
Classification: Likely pathogenic. Last evaluated: 2026-05-24. Review status: criteria provided, single submitter. Criteria: GeneDx Variant Classification Process June 2021. Collection method: clinical testing. Allele origin: germline.
Comment: Not observed at significant frequency in large population cohorts (gnomAD); In silico analysis supports that this missense variant has a deleterious effect on protein structure/function; This variant is associated with the following publications: (PMID: 26068213, 24030952, 14770181, 25116135, 23129421, 15258781, 16131425, 37832548, 34663476)

Athena Diagnostics
Classification: Pathogenic. Last evaluated: 2018-06-21. Review status: criteria provided, single submitter. Criteria: Athena Diagnostics Criteria. Collection method: clinical testing. Allele origin: germline.

PreventionGenetics, part of Exact Sciences
Classification: Likely pathogenic for SETX-related condition. Last evaluated: 2024-01-11. Review status: no assertion criteria provided. Collection method: clinical testing. Allele origin: germline. Not counted in ClinVar's aggregate classification.
Comment: The SETX c.5267T>C variant is predicted to result in the amino acid substitution p.Phe1756Ser. This variant has been reported in multiple individuals with clinical features consistent with autosomal recessive ataxia-ocular apraxia 2 (ID: UK1, Moreira et al. 2004. PubMed ID: 14770181; Table 1, Cheng et al. 2021. PubMed ID: 34663476; Table 2, Németh et al. 2013. PubMed ID: 24030952; Table 3, Hamza et al. 2015. PubMed ID: 26068213). This variant is reported in 0.0018% of alleles in individuals of European (non-Finnish) descent in gnomAD. This variant is interpreted as likely pathogenic.

Literature cited by the submitters: PubMed 14770181 (cited by Athena Diagnostics); PubMed 16644229 (cited by Athena Diagnostics); PubMed 15258781 (cited by Athena Diagnostics); PubMed 25116135 (cited by Athena Diagnostics); PubMed 23129421 (cited by Athena Diagnostics); PubMed 26068213 (cited by Athena Diagnostics); PubMed 24030952 (cited by Athena Diagnostics).